The following is an entry in ClinVar:

NM_024422.6(DSC2):c.2603C>T (p.Ser868Phe)

Gene: DSC2 (desmocollin 2; minus strand). Cytogenetic location: 18q12.1.
Variant type: single nucleotide variant.
Coding change: c.2603C>T on transcript NM_024422.6 (MANE Select); coding-DNA position 2603, C replaced by T.
Protein change: p.Ser868Phe; replaces serine 868 with phenylalanine.
Molecular consequence: missense variant. On other transcripts: 3 prime UTR variant (1).
Genome position (GRCh38, 1-based): chr18:31,068,118, G>A on the plus strand (C>T on the coding strand, the complement: DSC2 is on the minus strand). VCF-style: chr18-31068118-G-A. GRCh37 (hg19) VCF-style: chr18-28648084-G-A.
Other names: c.*105C>T (NM_004949.5); short protein forms S868F.
Identifiers: ClinVar variation 427964 (VCV000427964.38), dbSNP rs141873745, ClinGen allele CA029438.

ClinVar aggregate classification (germline): Conflicting classifications of pathogenicity. Review status: criteria provided, conflicting classifications (1 of 4 stars). 7 submissions from 7 submitters: Uncertain significance (6); Likely benign (1). Last evaluated 2025-11-17.

Conditions:
Cardiovascular phenotype. Identifiers: MedGen CN230736.
Familial isolated arrhythmogenic right ventricular dysplasia. Identifiers: Orphanet 217656, MedGen C4274968, MONDO:0016342.
Arrhythmogenic right ventricular dysplasia 11. Also called: Arrhythmogenic Right Ventricular Dysplasia/Cardiomyopathy11; ARRHYTHMOGENIC RIGHT VENTRICULAR DYSPLASIA, FAMILIAL, 11; Arrhythmogenic right ventricular dysplasia 11 with mild palmoplantar keratoderma and woolly hair. Identifiers: MedGen C1864850, MONDO:0012506, OMIM 610476.
Hypertrophic cardiomyopathy. Also called: HYPERTROPHIC MYOCARDIOPATHY. Identifiers: Orphanet 217569, MedGen C0007194, MeSH D002312, MONDO:0005045, HP:0001639.
Cardiomyopathy (CMYO). Also called: Cardiomyopathies. Identifiers: Orphanet 167848, MedGen C0878544, MONDO:0004994, HP:0001638. Inheritance: Various modes of inheritance.

Allele frequency attached by ClinVar (database versions not stated): TOPMed 0.00003; ExAC 0.00006; gnomAD exomes 0.00005 and 0.00004; gnomAD 0.00007 and 0.00006; ESP Exome Variant Server 0.00008; 1000 Genomes Project 30x 0.00016; 1000 Genomes Project 0.00020.
gnomAD v4.1: 90 of 1,613,968 alleles (0.0056%); highest among the groups gnomAD compares: Middle Eastern, 0.033%; no homozygotes.

Submissions (7):

Labcorp Genetics (formerly Invitae), Labcorp
Classification: Uncertain significance for Arrhythmogenic right ventricular dysplasia 11. Last evaluated: 2025-11-17. Review status: criteria provided, single submitter. Criteria: Invitae Variant Classification Sherloc (09022015). Collection method: clinical testing. Allele origin: germline.
Comment: This sequence change replaces serine, which is neutral and polar, with phenylalanine, which is neutral and non-polar, at codon 868 of the DSC2 protein (p.Ser868Phe). This variant is present in population databases (rs141873745, gnomAD 0.01%). This missense change has been observed in individual(s) with arrhythmogenic right ventricular cardiomyopathy and/or sudden death (PMID: 20400443, 26498160, 27930701, 30790397, 31970460). ClinVar contains an entry for this variant (Variation ID: 427964). An algorithm developed to predict the effect of missense changes on protein structure and function (PolyPhen-2) suggests that this variant is likely to be disruptive. In summary, the available evidence is currently insufficient to determine the role of this variant in disease. Therefore, it has been classified as a Variant of Uncertain Significance.

GeneDx
Classification: Uncertain significance. Last evaluated: 2025-04-23. Review status: criteria provided, single submitter. Criteria: GeneDx Variant Classification Process June 2021. Collection method: clinical testing. Allele origin: germline. Affected: yes.
Comment: In silico analysis supports that this missense variant has a deleterious effect on protein structure/function; Observed in individual with arrhythmogenic right ventricular cardiomyopathy, dilated cardiomyopathy (DCM) and sudden cardiac death; however, some of these individuals also harbored variants in other cardiomyopathy-related genes (PMID: 36178741, 26498160, 20400443, 27930701, 31970460); This variant is associated with the following publications: (PMID: 30790397, 20400443, 27930701, 31970460, 36178741, 26498160)

All of Us Research Program, National Institutes of Health
Classification: Uncertain significance for Familial isolated arrhythmogenic right ventricular dysplasia. Last evaluated: 2024-07-20. Review status: criteria provided, single submitter. Criteria: ACMG Guidelines, 2015. Collection method: clinical testing. Allele origin: germline. Inheritance: Autosomal dominant inheritance. Observed: 16 variant alleles, 16 heterozygotes.
Comment: This missense variant replaces serine with phenylalanine at codon 868 of the DSC2 protein. Computational prediction is inconclusive regarding the impact of this variant on protein structure and function (internally defined REVEL score threshold 0.5 < inconclusive < 0.7, PMID: 27666373). To our knowledge, functional studies have not been reported for this variant. This variant has been reported in two individuals affected with arrhythmogenic right ventricular cardiomyopathy (PMID: 20400443, 30790397). Both of them also carried a pathogenic truncation variant in the PKP2 gene. This variant has also been reported in three individuals affected with sudden death (PMID: 26498160, 27930701, 31970460) and in an individual affected with dilated cardiomyopathy who carried a pathogenic truncation variant in the TTN gene that could explain the observed phenotype (PMID: 36178741). This variant has been identified in 11/282620 chromosomes in the general population by the Genome Aggregation Database (gnomAD). The available evidence is insufficient to determine the role of this variant in disease conclusively. Therefore, this variant is classified as a Variant of Uncertain Significance.

This study involves interpretation of variants in research participants for the purpose of population health screening. Participant phenotype was not available at the time of variant classification. Additional details can be found in publication PMID: 35346344, PMCID: PMC8962531

Color Diagnostics, LLC DBA Color Health
Classification: Uncertain significance for Cardiomyopathy. Last evaluated: 2024-07-01. Review status: criteria provided, single submitter. Criteria: ACMG Guidelines, 2015. Collection method: clinical testing. Allele origin: germline.
Comment: This missense variant replaces serine with phenylalanine at codon 868 of the DSC2 protein. Computational prediction is inconclusive regarding the impact of this variant on protein structure and function. To our knowledge, functional studies have not been reported for this variant. This variant has been reported in two individuals affected with arrhythmogenic right ventricular cardiomyopathy (PMID: 20400443, 30790397). Both of them also carried a pathogenic truncation variant in the PKP2 gene. This variant has also been reported in three individuals affected with sudden death (PMID: 26498160, 27930701, 31970460) and in an individual affected with dilated cardiomyopathy who carried a pathogenic truncation variant in the TTN gene that could explain the observed phenotype (PMID: 36178741). This variant has been identified in 11/282620 chromosomes in the general population by the Genome Aggregation Database (gnomAD). The available evidence is insufficient to determine the role of this variant in disease conclusively. Therefore, this variant is classified as a Variant of Uncertain Significance.

Ambry Genetics
Classification: Likely benign for Cardiovascular phenotype. Last evaluated: 2024-05-31. Review status: criteria provided, single submitter. Criteria: Ambry Variant Classification Scheme 2023. Collection method: clinical testing. Allele origin: germline.

Mayo Clinic Laboratories, Mayo Clinic
Classification: Uncertain significance. Last evaluated: 2019-12-27. Review status: criteria provided, single submitter. Criteria: ACMG Guidelines, 2015. Collection method: clinical testing. Allele origin: germline. Observed: 1 variant allele.

Center for Human Genetics, University of Leuven
Classification: Uncertain significance for Hypertrophic cardiomyopathy. Last evaluated: 2017-04-30. Review status: criteria provided, single submitter. Criteria: ACMG Guidelines, 2015. Collection method: clinical testing. Allele origin: germline. Inheritance: Autosomal dominant inheritance. Affected: yes.

Literature cited by the submitters: PubMed 20400443 (cited by 4 submitters); PubMed 26498160 (cited by 4 submitters); PubMed 27930701 (cited by 4 submitters); PubMed 30790397 (cited by 3 submitters); PubMed 31970460 (cited by 3 submitters); PubMed 36178741 (cited by All of Us Research Program, National Institutes of Health and Color Diagnostics, LLC DBA Color Health); PubMed 29255176 (cited by Ambry Genetics).